The following is an entry in ClinVar:

ClinVar aggregate classification (germline): Uncertain significance (1 of 4 stars; one submission).

Conditions:
EGFR-related lung cancer (EGFR). Identifiers: MedGen CN130014.

Submission:

Labcorp Genetics (formerly Invitae), Labcorp
Classification: Uncertain significance for EGFR-related lung cancer. Last evaluated: 2023-03-08. Review status: criteria provided, single submitter. Criteria: Invitae Variant Classification Sherloc (09022015). Collection method: clinical testing. Allele origin: germline.
Comment: This variant, c.3015_3017dup, results in the insertion of 1 amino acid(s) of the EGFR protein (p.Glu1005dup), but otherwise preserves the integrity of the reading frame. This variant is not present in population databases (gnomAD no frequency). This variant has not been reported in the literature in individuals affected with EGFR-related conditions. In summary, the available evidence is currently insufficient to determine the role of this variant in disease. Therefore, it has been classified as a Variant of Uncertain Significance.

NM_005228.5(EGFR):c.3012AGA[3] (p.Glu1005_Asp1006insGlu)

Gene: EGFR (epidermal growth factor receptor; plus strand). Cytogenetic location: 7p11.2.
Variant type: Microsatellite.
Coding change: c.3012AGA[3] on transcript NM_005228.5 (MANE Select); three copies in a row of the 3-base unit AGA starting at c.3012; the reference has two copies in a row; one copy, 3 bases duplicated.
Protein change: p.Glu1005_Asp1006insGlu.
Molecular consequence: inframe insertion.
Genome position (GRCh38, 1-based): chr7:55,201,256-55,201,258, AGA duplicated; duplicating any 3 consecutive bases within chr7:55,201,251-55,201,258 gives the same sequence; the position shown is the placement nearest the transcript's 3' end. VCF-style (leftmost placement, unchanged base first): chr7-55201250-T-TGAA. GRCh37 (hg19) VCF-style: chr7-55268943-T-TGAA.
Other names: c.2877AGA[3], p.Glu960_Asp961insGlu (NM_001346897.2, NM_001346899.2); c.3012AGA[3], p.Glu1005_Asp1006insGlu (NM_001346898.2); c.2853AGA[3], p.Glu952_Asp953insGlu (NM_001346900.2); c.2211AGA[3], p.Glu738_Asp739insGlu (NM_001346941.2).
Identifiers: ClinVar variation 2844319 (VCV002844319.3), dbSNP rs760292181, ClinGen allele CA2739266427.